The following is an entry in ClinVar:

NC_000015.10:g.84817058C>T

Gene: ALPK3 (alpha kinase 3; plus strand). Cytogenetic location: 15q25.3.
Variant type: single nucleotide variant.
Genome position: GRCh38 VCF-style: chr15-84817058-C-T. GRCh37 (hg19) VCF-style: chr15-85360289-C-T.
Identifiers: ClinVar variation 3647339 (VCV003647339.2).

ClinVar aggregate classification (germline): Uncertain significance (1 of 4 stars; one submission).

Submission:

Labcorp Genetics (formerly Invitae), Labcorp
Classification: Uncertain significance. Last evaluated: 2024-09-06. Review status: criteria provided, single submitter. Criteria: Invitae Variant Classification Sherloc (09022015). Collection method: clinical testing. Allele origin: germline.
Comment: This sequence change replaces alanine, which is neutral and non-polar, with valine, which is neutral and non-polar, at codon 71 of the ALPK3 protein (p.Ala71Val). This variant is not present in population databases (gnomAD no frequency). This variant has not been reported in the literature in individuals affected with ALPK3-related conditions. An algorithm developed to predict the effect of missense changes on protein structure and function outputs the following: PolyPhen-2: "Possibly Damaging". The valine amino acid residue is found in multiple mammalian species, which suggests that this missense change does not adversely affect protein function. In summary, the available evidence is currently insufficient to determine the role of this variant in disease. Therefore, it has been classified as a Variant of Uncertain Significance.